The following is an entry in ClinVar:

NM_016519.6(AMBN):c.802G>A (p.Gly268Arg)

Gene: AMBN (ameloblastin; plus strand). Cytogenetic location: 4q13.3.
Variant type: single nucleotide variant.
Coding change: c.802G>A on transcript NM_016519.6 (MANE Select); coding-DNA position 802, G replaced by A.
Protein change: p.Gly268Arg; replaces glycine 268 with arginine.
Molecular consequence: missense variant.
Genome position (GRCh38, 1-based): chr4:70,606,188, G>A. VCF-style: chr4-70606188-G-A. GRCh37 (hg19) VCF-style: chr4-71471905-G-A.
Other names: NC_000004.11:g.71471905G>A; short protein forms G268R.
Identifiers: ClinVar variation 790785 (VCV000790785.28), dbSNP rs146167261, ClinGen allele CA2951567.
Genomic context (GRCh38, chr4:70,606,188, plus strand): 5'-ATGGTATAGTTAATAGCATGTGATGATGGCATCTTTGACGAATGTTTTTTTTTCCAGGGC[G>A]GGAGAGAAGACCCAATGGCCTATGGAGCCATGTTTCCAGGATTTGGAGGCATGAGGCCCG-3'
Protein context (NP_057603.1, residues 258-278): GIMSSEEVAG[Gly268Arg]REDPMAYGAM

ClinVar aggregate classification (germline): Likely benign. Review status: criteria provided, multiple submitters, no conflicts (2 of 4 stars). 4 submissions from 4 submitters: Likely benign (3). 1 of the submissions does not count toward it. Last evaluated 2023-12-01.

Conditions:
AMBN-related disorder. Also called: AMBN-related condition.

Allele frequency attached by ClinVar (database versions not stated): 1000 Genomes Project 30x 0.00156; 1000 Genomes Project 0.00160; gnomAD 0.00196 and 0.00202; TOPMed 0.00200; gnomAD exomes 0.00254; ExAC 0.00263; ESP Exome Variant Server 0.00277.

Submissions (6):

CeGaT Center for Human Genetics Tuebingen
Classification: Likely benign. Last evaluated: 2023-12-01. Review status: criteria provided, single submitter. Criteria: CeGaT Center For Human Genetics Tuebingen Variant Classification Criteria Version 2. Collection method: clinical testing. Allele origin: germline. Affected: yes. Observed: 1 variant allele.
Comment: AMBN: PP3, BS2

Labcorp Genetics (formerly Invitae), Labcorp
Classification: Likely benign. Last evaluated: 2019-12-31. Review status: criteria provided, single submitter. Criteria: Invitae Variant Classification Sherloc (09022015). Collection method: clinical testing. Allele origin: germline.

Breakthrough Genomics
Classification: Likely benign. Review status: criteria provided, single submitter. Criteria: ACMG Guidelines, 2015. Collection method: not provided. Allele origin: germline. Inheritance: Autosomal recessive inheritance. Affected: yes.

PreventionGenetics, part of Exact Sciences
Classification: Likely benign for AMBN-related condition. Last evaluated: 2024-05-22. Review status: no assertion criteria provided. Collection method: clinical testing. Allele origin: germline. Not counted in ClinVar's aggregate classification.
Comment: This variant is classified as likely benign based on ACMG/AMP sequence variant interpretation guidelines (Richards et al. 2015 PMID: 25741868, with internal and published modifications).

Dr. Peter K. Rogan Lab, Western University
No classification provided (evidence only). Condition: Lung cancer. Review status: no classification provided. Collection method: in vitro. Allele origin: not applicable. Functional consequence: retained intron. Not counted in ClinVar's aggregate classification.

Dr. Peter K. Rogan Lab, Western University
No classification provided (evidence only). Condition: Familial cancer of breast. Review status: no classification provided. Collection method: in vitro. Allele origin: not applicable. Functional consequence: retained intron. Not counted in ClinVar's aggregate classification.